The following is an entry in ClinVar:

ClinVar aggregate classification (germline): Uncertain significance. Review status: criteria provided, multiple submitters, no conflicts (2 of 4 stars). 2 submissions from 2 submitters: Uncertain significance (2). Last evaluated 2025-11-08.

Conditions:
Cardiovascular phenotype. Identifiers: MedGen CN230736.

Allele frequency attached by ClinVar (database versions not stated): TOPMed below 0.00001; gnomAD 0.00001.

Submissions (2):

Ambry Genetics
Classification: Uncertain significance for Cardiovascular phenotype. Last evaluated: 2025-11-08. Review status: criteria provided, single submitter. Criteria: Ambry Variant Classification Scheme 2023. Collection method: clinical testing. Allele origin: germline.

Labcorp Genetics (formerly Invitae), Labcorp
Classification: Uncertain significance. Last evaluated: 2022-07-12. Review status: criteria provided, single submitter. Criteria: Invitae Variant Classification Sherloc (09022015). Collection method: clinical testing. Allele origin: germline.
Comment: This sequence change replaces serine, which is neutral and polar, with cysteine, which is neutral and slightly polar, at codon 723 of the ALPK3 protein (p.Ser723Cys). This variant is not present in population databases (gnomAD no frequency). This variant has not been reported in the literature in individuals affected with ALPK3-related conditions. ClinVar contains an entry for this variant (Variation ID: 1515310). Algorithms developed to predict the effect of missense changes on protein structure and function are either unavailable or do not agree on the potential impact of this missense change (SIFT: "Deleterious"; PolyPhen-2: "Possibly Damaging"; Align-GVGD: "Class C0"). In summary, the available evidence is currently insufficient to determine the role of this variant in disease. Therefore, it has been classified as a Variant of Uncertain Significance.

NM_020778.5(ALPK3):c.1562C>G (p.Ser521Cys)

Genes: ALPK3 (alpha kinase 3; plus strand), LOC111718493 (skeletal muscle cis-regulatory module overlapping ALPK3; plus strand). Cytogenetic location: 15q25.3.
Variant type: single nucleotide variant.
Coding change: c.1562C>G on transcript NM_020778.5 (MANE Select); coding-DNA position 1562, C replaced by G.
Protein change: p.Ser521Cys; replaces serine 521 with cysteine.
Molecular consequence: missense variant.
Genome position (GRCh38, 1-based): chr15:84,840,841, C>G. VCF-style: chr15-84840841-C-G. GRCh37 (hg19) VCF-style: chr15-85384072-C-G.
Other names: c.2168C>G (NM_020778.4); short protein forms S521C.
Identifiers: ClinVar variation 1515310 (VCV001515310.5), dbSNP rs1963655398, ClinGen allele CA393375952.